The following is an entry in ClinVar:

NM_001098.3(ACO2):c.2301C>T (p.Arg767=)

Genes: ACO2 (aconitase 2; plus strand), POLR3H (RNA polymerase III subunit H; minus strand). Cytogenetic location: 22q13.2.
Variant type: single nucleotide variant.
Coding change: c.2301C>T on transcript NM_001098.3 (MANE Select); coding-DNA position 2301, C replaced by T.
Protein change: p.Arg767=; no amino-acid change (arginine 767 retained).
Molecular consequence: synonymous variant. On other transcripts: 3 prime UTR variant (5).
Genome position (GRCh38, 1-based): chr22:41,528,571, C>T. VCF-style: chr22-41528571-C-T. GRCh37 (hg19) VCF-style: chr22-41924575-C-T.
Other names: p.Arg767=; c.*712G>A (NM_001018050.4, NM_001018052.4, NM_001282884.2 and 2 more transcripts).
Identifiers: ClinVar variation 516940 (VCV000516940.11), dbSNP rs147378062, ClinGen allele CA10257965.

ClinVar aggregate classification (germline): Likely benign. Review status: criteria provided, multiple submitters, no conflicts (2 of 4 stars). 4 submissions from 4 submitters: Likely benign (4). Last evaluated 2025-06-16.

Allele frequency attached by ClinVar (database versions not stated): TOPMed 0.00003; gnomAD 0.00005; ExAC 0.00006; gnomAD exomes 0.00006 and 0.00008; ESP Exome Variant Server 0.00008.
gnomAD v4.1: 120 of 1,612,832 alleles (0.0074%); highest among the groups gnomAD compares: Admixed American, 0.023%; no homozygotes.

Submissions (4):

Labcorp Genetics (formerly Invitae), Labcorp
Classification: Likely benign. Last evaluated: 2025-06-16. Review status: criteria provided, single submitter. Criteria: Invitae Variant Classification Sherloc (09022015). Collection method: clinical testing. Allele origin: germline.

Mayo Clinic Laboratories, Mayo Clinic
Classification: Likely benign. Last evaluated: 2025-06-09. Review status: criteria provided, single submitter. Criteria: ACMG Guidelines, 2015. Collection method: clinical testing. Allele origin: germline. Observed: 1 variant allele.
Comment: BP4, BP7

Blueprint Genetics
Classification: Likely benign. Last evaluated: 2024-11-28. Review status: criteria provided, single submitter. Criteria: ACMG Guidelines, 2015. Collection method: clinical testing. Allele origin: germline.

GeneDx
Classification: Likely benign. Last evaluated: 2017-07-24. Review status: criteria provided, single submitter. Criteria: GeneDx Variant Classification (06012015). Collection method: clinical testing. Allele origin: germline. Affected: yes.
Comment: This variant is considered likely benign or benign based on one or more of the following criteria: it is a conservative change, it occurs at a poorly conserved position in the protein, it is predicted to be benign by multiple in silico algorithms, and/or has population frequency not consistent with disease.